The following is an entry in ClinVar:

ClinVar aggregate classification (germline): Likely benign (0 of 4 stars; one submission).

Conditions:
PIEZO1-related disorder. Also called: PIEZO1-Related Disorders; PIEZO1-related condition.

gnomAD v4.1: 90 of 1,550,078 alleles (0.0058%); highest among the groups gnomAD compares: Non-Finnish European, 0.0071%; no homozygotes.

Submission:

PreventionGenetics, part of Exact Sciences
Classification: Likely benign for PIEZO1-related condition. Last evaluated: 2019-10-28. Review status: no assertion criteria provided. Collection method: clinical testing. Allele origin: germline.
Comment: This variant is classified as likely benign based on ACMG/AMP sequence variant interpretation guidelines (Richards et al. 2015 PMID: 25741868, with internal and published modifications).

NM_001142864.4(PIEZO1):c.7239C>G (p.Thr2413=)

Gene: PIEZO1 (piezo type mechanosensitive ion channel component 1 (Er blood group); minus strand). Cytogenetic location: 16q24.3.
Variant type: single nucleotide variant.
Coding change: c.7239C>G on transcript NM_001142864.4 (MANE Select); coding-DNA position 7239, C replaced by G.
Protein change: p.Thr2413=; no amino-acid change (threonine 2413 retained).
Molecular consequence: synonymous variant.
Genome position (GRCh38, 1-based): chr16:88,716,010, G>C on the plus strand (C>G on the coding strand, the complement: PIEZO1 is on the minus strand). VCF-style: chr16-88716010-G-C. GRCh37 (hg19) VCF-style: chr16-88782418-G-C.
Other names: c.5781C>G, p.Thr1927= (NM_014745.1).
Identifiers: ClinVar variation 3045846 (VCV003045846.2), dbSNP rs373349986, ClinGen allele CA497363757.